The following is an entry in ClinVar:

NM_000271.5(NPC1):c.2673T>C (p.Phe891=)

Gene: NPC1 (NPC intracellular cholesterol transporter 1; minus strand). Cytogenetic location: 18q11.2.
Variant type: single nucleotide variant.
Coding change: c.2673T>C on transcript NM_000271.5 (MANE Select); coding-DNA position 2673, T replaced by C.
Protein change: p.Phe891=; no amino-acid change (phenylalanine 891 retained).
Molecular consequence: synonymous variant.
Genome position (GRCh38, 1-based): chr18:23,539,933, A>G on the plus strand (T>C on the coding strand, the complement: NPC1 is on the minus strand). VCF-style: chr18-23539933-A-G. GRCh37 (hg19) VCF-style: chr18-21119897-A-G.
Other names: c.2673T>C (NM_000271.4).
Identifiers: ClinVar variation 1138241 (VCV001138241.11), dbSNP rs2145373623, ClinGen allele CA503322655.

ClinVar aggregate classification (germline): Likely benign. Review status: criteria provided, multiple submitters, no conflicts (2 of 4 stars). 3 submissions from 3 submitters: Likely benign (2). 1 of the submissions does not count toward it. Last evaluated 2025-12-28.

Conditions:
Niemann-Pick disease, type C1. Also called: NIEMANN-PICK DISEASE, VARIANT TYPE C1; NEUROVISCERAL STORAGE DISEASE WITH VERTICAL SUPRANUCLEAR OPHTHALMOPLEGIA; NIEMANN-PICK DISEASE WITH CHOLESTEROL ESTERIFICATION BLOCK; NIEMANN-PICK DISEASE WITHOUT SPHINGOMYELINASE DEFICIENCY; NIEMANN-PICK DISEASE, CHRONIC NEURONOPATHIC FORM. Identifiers: Orphanet 646, MedGen C3179455, MONDO:0009757, OMIM 257220.
NPC1-related disorder. Also called: NPC1-related condition.

Allele frequency attached by ClinVar (database versions not stated): gnomAD exomes below 0.00001.
gnomAD v4.1: 1 of 1,614,248 alleles (0.000062%); highest among the groups gnomAD compares: Non-Finnish European, 0.000085%; no homozygotes.

Submissions (3):

Labcorp Genetics (formerly Invitae), Labcorp
Classification: Likely benign for Niemann-Pick disease, type C1. Last evaluated: 2025-12-28. Review status: criteria provided, single submitter. Criteria: Invitae Variant Classification Sherloc (09022015). Collection method: clinical testing. Allele origin: germline.

PreventionGenetics, part of Exact Sciences
Classification: Likely benign for NPC1-related condition. Last evaluated: 2024-11-07. Review status: criteria provided, single submitter. Criteria: ACMG Guidelines, 2015. Collection method: clinical testing. Allele origin: germline.
Comment: This variant is classified as likely benign based on ACMG/AMP sequence variant interpretation guidelines (Richards et al. 2015 PMID: 25741868, with internal and published modifications).

Natera, Inc.
Classification: Uncertain significance for Niemann-Pick disease type C1. Last evaluated: 2025-05-29. Review status: no assertion criteria provided. Collection method: clinical testing. Allele origin: germline. Not counted in ClinVar's aggregate classification.